The following is an entry in ClinVar:

ClinVar aggregate classification (germline): Uncertain significance (1 of 4 stars; one submission).

Conditions:
Hereditary cancer-predisposing syndrome. Also called: Tumor predisposition; Hereditary neoplastic syndrome; Hereditary Cancer Syndrome; Neoplastic Syndromes, Hereditary. Identifiers: Orphanet 140162, MedGen C0027672, MeSH D009386, MONDO:0015356.

gnomAD v4.1: 1 of 1,613,794 alleles (0.000062%); highest among the groups gnomAD compares: Admixed American, 0.0017%; no homozygotes.

Submission:

Ambry Genetics
Classification: Uncertain significance for Hereditary cancer-predisposing syndrome. Last evaluated: 2025-06-02. Review status: criteria provided, single submitter. Criteria: Ambry Variant Classification Scheme 2023. Collection method: clinical testing. Allele origin: germline.
Comment: The p.S1673R variant (also known as c.5019C>A), located in coding exon 33 of the ATM gene, results from a C to A substitution at nucleotide position 5019. The serine at codon 1673 is replaced by arginine, an amino acid with dissimilar properties. This amino acid position is conserved. In addition, this alteration is predicted to be tolerated by in silico analysis. Based on the available evidence, the clinical significance of this variant remains unclear.

NM_000051.4(ATM):c.5019C>A (p.Ser1673Arg)

Gene: ATM (ATM serine/threonine kinase; plus strand). Cytogenetic location: 11q22.3.
Variant type: single nucleotide variant.
Coding change: c.5019C>A on transcript NM_000051.4 (MANE Select); coding-DNA position 5019, C replaced by A.
Protein change: p.Ser1673Arg; replaces serine 1673 with arginine.
Molecular consequence: missense variant.
Genome position (GRCh38, 1-based): chr11:108,299,727, C>A. VCF-style: chr11-108299727-C-A. GRCh37 (hg19) VCF-style: chr11-108170454-C-A.
Other names: c.5019C>A, p.Ser1673Arg (NM_001351834.2); short protein forms S1673R.
Identifiers: ClinVar variation 3967504 (VCV003967504.1).